The following is an entry in ClinVar:

ClinVar aggregate classification (germline): Uncertain significance. Review status: criteria provided, multiple submitters, no conflicts (2 of 4 stars). 2 submissions from 2 submitters: Uncertain significance (2). Last evaluated 2023-12-13.

Conditions:
Familial adenomatous polyposis 2. Also called: Adenomas, multiple colorectal; MUTYH Polyposis; COLORECTAL ADENOMATOUS POLYPOSIS, AUTOSOMAL RECESSIVE; ADENOMAS, MULTIPLE COLORECTAL, AUTOSOMAL RECESSIVE; MUTYH-associated polyposis; MUTYH-related attenuated familial adenomatous polyposis. Identifiers: Orphanet 220460, Orphanet 247798, MedGen C3272841, MONDO:0012041, OMIM 608456.

gnomAD v4.1: 1 of 1,612,978 alleles (0.000062%); highest among the groups gnomAD compares: African/African-American, 0.0013%; no homozygotes.

Submissions (2):

All of Us Research Program, National Institutes of Health
Classification: Uncertain significance for Familial adenomatous polyposis 2. Last evaluated: 2023-12-13. Review status: criteria provided, single submitter. Criteria: ACMG Guidelines, 2015. Collection method: clinical testing. Allele origin: germline. Inheritance: Autosomal recessive inheritance. Observed: 2 variant alleles, 2 heterozygotes.
Comment: This missense variant replaces alanine with aspartic acid at codon 64 of the MUTYH protein. Computational prediction suggests that this variant may not impact protein structure and function (internally defined REVEL score threshold <= 0.5, PMID: 27666373). To our knowledge, functional studies have not been reported for this variant. This variant has not been reported in individuals affected with MUTYH-related disorders in the literature. This variant has not been identified in the general population by the Genome Aggregation Database (gnomAD). The available evidence is insufficient to determine the role of this variant in disease conclusively. Therefore, this variant is classified as a Variant of Uncertain Significance.

This study involves interpretation of variants in research participants for the purpose of population health screening. Participant phenotype was not available at the time of variant classification. Additional details can be found in publication PMID: 35346344, PMCID: PMC8962531

Labcorp Genetics (formerly Invitae), Labcorp
Classification: Uncertain significance for Familial adenomatous polyposis 2. Last evaluated: 2022-10-05. Review status: criteria provided, single submitter. Criteria: Invitae Variant Classification Sherloc (09022015). Collection method: clinical testing. Allele origin: germline.
Comment: This sequence change replaces alanine, which is neutral and non-polar, with aspartic acid, which is acidic and polar, at codon 64 of the MUTYH protein (p.Ala64Asp). This variant is not present in population databases (gnomAD no frequency). This variant has not been reported in the literature in individuals affected with MUTYH-related conditions. ClinVar contains an entry for this variant (Variation ID: 944723). Algorithms developed to predict the effect of missense changes on protein structure and function (SIFT, PolyPhen-2, Align-GVGD) all suggest that this variant is likely to be tolerated. In summary, the available evidence is currently insufficient to determine the role of this variant in disease. Therefore, it has been classified as a Variant of Uncertain Significance.

NM_001128425.2(MUTYH):c.191C>A (p.Ala64Asp)

Gene: MUTYH (mutY DNA glycosylase; minus strand). Cytogenetic location: 1p34.1.
Variant type: single nucleotide variant.
Coding change: c.191C>A on transcript NM_001128425.2 (MANE Plus Clinical); coding-DNA position 191, C replaced by A.
Protein change: p.Ala64Asp; replaces alanine 64 with aspartic acid.
Molecular consequence: missense variant. On other transcripts: intron variant (10).
Genome position (GRCh38, 1-based): chr1:45,333,570, G>T on the plus strand (C>A on the coding strand, the complement: MUTYH is on the minus strand). VCF-style: chr1-45333570-G-T. GRCh37 (hg19) VCF-style: chr1-45799242-G-T.
Other names: c.140C>A, p.Ala47Asp (NM_001293191.2); c.182C>A, p.Ala61Asp (NM_012222.3); c.-92-73C>A (NM_001350651.2); c.-97-73C>A (NM_001293192.2, NM_001293196.2); c.-156-9C>A (NM_001350650.2); c.116-9C>A (NM_001048171.2, NM_001048173.2, NM_001048174.2 and 1 more transcripts); c.158-6C>A (NM_001293190.2); c.116-6C>A (NM_001048172.2); short protein forms A47D, A61D, A64D.
Identifiers: ClinVar variation 944723 (VCV000944723.10), dbSNP rs1570446268, ClinGen allele CA340136759.